The following is an entry in ClinVar:

NM_206937.2(LIG4):c.1536_1537delinsTT (p.Met512_Lys513delinsIleTer)

Gene: LIG4 (DNA ligase 4; minus strand). Cytogenetic location: 13q33.3.
Variant type: Indel.
Coding change: c.1536_1537delinsTT on transcript NM_206937.2 (MANE Select); coding-DNA positions 1536 to 1537, GA replaced by TT.
Protein change: p.Met512_Lys513delinsIleTer.
Molecular consequence: nonsense.
Genome position (GRCh38, 1-based): chr13:108,209,732-108,209,733, TC replaced by AA on the plus strand (GA replaced by TT on the coding strand, the reverse complement: LIG4 is on the minus strand). VCF-style: chr13-108209732-TC-AA. GRCh37 (hg19) VCF-style: chr13-108862080-TC-AA.
Other names: c.1536_1537delinsTT, p.Met512_Lys513delinsIleTer (NM_001098268.2, NM_001352598.2, NM_001352599.2 and 6 more transcripts); c.1335_1336delinsTT, p.Met445_Lys446delinsIleTer (NM_001330595.2); c.1572_1573delinsTT, p.Met524_Lys525delinsIleTer (NM_001352604.2).
Identifiers: ClinVar variation 2771552 (VCV002771552.3), dbSNP rs2501598598, ClinGen allele CA2697549262.

ClinVar aggregate classification (germline): Pathogenic (1 of 4 stars; one submission).

Conditions:
DNA ligase IV deficiency. Identifiers: Orphanet 99812, MedGen C1847827, MONDO:0011686, OMIM 606593.

Submission:

Labcorp Genetics (formerly Invitae), Labcorp
Classification: Pathogenic for DNA ligase IV deficiency. Last evaluated: 2023-10-30. Review status: criteria provided, single submitter. Criteria: Invitae Variant Classification Sherloc (09022015). Collection method: clinical testing. Allele origin: germline.
Comment: This sequence change creates a premature translational stop signal (p.Met512_Lys513delinsIle*) in the LIG4 gene. While this is not anticipated to result in nonsense mediated decay, it is expected to disrupt the last 400 amino acid(s) of the LIG4 protein. Information on the frequency of this variant in the gnomAD database is not available, as this variant may be reported differently in the database. This variant has not been reported in the literature in individuals affected with LIG4-related conditions. This variant disrupts a region of the LIG4 protein in which other variant(s) (p.Gln904*) have been determined to be pathogenic (PMID: 34630384). This suggests that this is a clinically significant region of the protein, and that variants that disrupt it are likely to be disease-causing. For these reasons, this variant has been classified as Pathogenic.

Literature cited by the submitters: PubMed 34630384.